The following is an entry in ClinVar:

ClinVar aggregate classification (germline): Uncertain significance (0 of 4 stars; one submission).

Conditions:
GNAS-related disorder. Identifiers: MedGen CN380105.

Submission:

PreventionGenetics, part of Exact Sciences
Classification: Uncertain significance for GNAS-related condition. Last evaluated: 2024-05-29. Review status: no assertion criteria provided. Collection method: clinical testing. Allele origin: germline.
Comment: The GNAS c.322C>A variant is predicted to result in the amino acid substitution p.Gln108Lys. To our knowledge, this variant has not been reported in the literature or in a large population database, indicating this variant is rare. At this time, the clinical significance of this variant is uncertain due to the absence of conclusive functional and genetic evidence.

NM_080425.4(GNAS):c.322C>A (p.Gln108Lys)

Gene: GNAS (GNAS complex locus; plus strand). Cytogenetic location: 20q13.32.
Variant type: single nucleotide variant.
Coding change: c.322C>A on transcript NM_080425.4 (MANE Plus Clinical); coding-DNA position 322, C replaced by A.
Protein change: p.Gln108Lys; replaces glutamine 108 with lysine.
Molecular consequence: missense variant. On other transcripts: intron variant (3).
Genome position (GRCh38, 1-based): chr20:58,853,587, C>A. VCF-style: chr20-58853587-C-A. GRCh37 (hg19) VCF-style: chr20-57428642-C-A.
Other names: c.135C>A, p.Asn45Lys (NM_001077490.3, NM_001309883.1); c.322C>A, p.Gln108Lys (NM_001410913.1); c.*42+12701C>A (NM_016592.5); c.43+12701C>A (NM_001410912.1); c.-39+11712C>A (NM_001309861.2); short protein forms N45K, Q108K.
Identifiers: ClinVar variation 3351676 (VCV003351676.1).
Genomic context (GRCh38, chr20:58,853,587, plus strand): 5'-GCTGGAGCCCATGGAAGCTACAGCCCACCTCCTGAGGAAGCAATGCCCTTCGAGGCTGAA[C>A]AGCCCAGCTTGGGAGGCTTCTGGCCTACACTGGAGCAGCCTGGATTCCCCAGTGGGGTCC-3'
Protein context (NP_536350.2, residues 98-118): PEEAMPFEAE[Gln108Lys]PSLGGFWPTL